The following is an entry in ClinVar:

NM_005502.4(ABCA1):c.4993A>G (p.Met1665Val)

Gene: ABCA1 (ATP binding cassette subfamily A member 1; minus strand). Cytogenetic location: 9q31.1.
Variant type: single nucleotide variant.
Coding change: c.4993A>G on transcript NM_005502.4 (MANE Select); coding-DNA position 4993, A replaced by G.
Protein change: p.Met1665Val; replaces methionine 1665 with valine.
Molecular consequence: missense variant.
Genome position (GRCh38, 1-based): chr9:104,798,549, T>C on the plus strand (A>G on the coding strand, the complement: ABCA1 is on the minus strand). VCF-style: chr9-104798549-T-C. GRCh37 (hg19) VCF-style: chr9-107560830-T-C.
Other names: short protein forms M1665V.
Identifiers: ClinVar variation 2582339 (VCV002582339.2), dbSNP rs760849401, ClinGen allele CA5167963.

ClinVar aggregate classification (germline): Uncertain significance. Review status: criteria provided, multiple submitters, no conflicts (2 of 4 stars). 3 submissions from 2 submitters: Uncertain significance (3). Last evaluated 2025-12-12.

Conditions:
Tangier disease (TGD). Also called: HIGH DENSITY LIPOPROTEIN DEFICIENCY, TANGIER TYPE; HIGH DENSITY LIPOPROTEIN DEFICIENCY, TYPE 1; Cholesterol thesaurismosis. Identifiers: Orphanet 31150, MedGen C0039292, MONDO:0008783, OMIM 205400.
Hypoalphalipoproteinemia, primary, 1. Identifiers: Orphanet 425, MedGen C5231558, MONDO:0011393, OMIM 604091.

Allele frequency attached by ClinVar (database versions not stated): gnomAD 0.00001; ExAC 0.00003.

Submissions (3):

Women's Health and Genetics/Laboratory Corporation of America, LabCorp
Classification: Uncertain significance. Last evaluated: 2025-12-12. Review status: criteria provided, single submitter. Criteria: LabCorp Variant Classification Summary - May 2015. Collection method: clinical testing. Allele origin: germline.
Comment: Variant summary: ABCA1 c.4993A>G (p.Met1665Val) results in a conservative amino acid change in the encoded protein sequence. Algorithms developed to predict the effect of missense changes on protein structure and function are either unavailable or do not agree on the potential impact of this missense change. The variant allele was found at a frequency of 3.2e-05 in 251394 control chromosomes. The available data on variant occurrences in the general population are insufficient to allow any conclusion about variant significance. To our knowledge, no occurrence of c.4993A>G in individuals affected with ABCA1-related conditions and no experimental evidence demonstrating its impact on protein function have been reported. ClinVar contains an entry for this variant (Variation ID: 2582339). Based on the evidence outlined above, the variant was classified as uncertain significance.

Baylor Genetics
Classification: Uncertain significance for Tangier disease. Last evaluated: 2023-01-12. Review status: criteria provided, single submitter. Criteria: ACMG Guidelines, 2015. Collection method: clinical testing. Allele origin: unknown.

Baylor Genetics
Classification: Uncertain significance for Hypoalphalipoproteinemia, primary, 1. Last evaluated: 2023-01-12. Review status: criteria provided, single submitter. Criteria: ACMG Guidelines, 2015. Collection method: clinical testing. Allele origin: unknown.